The following is an entry in ClinVar:

NM_001103.4(ACTN2):c.1651A>G (p.Ile551Val)

Gene: ACTN2 (actinin alpha 2; plus strand). Cytogenetic location: 1q43.
Variant type: single nucleotide variant.
Coding change: c.1651A>G on transcript NM_001103.4 (MANE Select); coding-DNA position 1651, A replaced by G.
Protein change: p.Ile551Val; replaces isoleucine 551 with valine.
Molecular consequence: missense variant. On other transcripts: non-coding transcript variant (1).
Genome position (GRCh38, 1-based): chr1:236,749,259, A>G. VCF-style: chr1-236749259-A-G. GRCh37 (hg19) VCF-style: chr1-236912559-A-G.
Other names: c.1651A>G, p.Ile551Val (NM_001278343.2); c.1027A>G, p.Ile343Val (NM_001278344.2); c.901A>G, p.Ile301Val (NM_001412150.1); short protein forms I301V, I343V, I551V.
Identifiers: ClinVar variation 2944150 (VCV002944150.3), dbSNP rs2527628218, ClinGen allele CA345385166.

ClinVar aggregate classification (germline): Uncertain significance (1 of 4 stars; one submission).

Conditions:
Dilated cardiomyopathy 1AA (CMD1AA). Also called: CARDIOMYOPATHY, DILATED, 1AA, WITH OR WITHOUT LEFT VENTRICULAR NONCOMPACTION; CARDIOMYOPATHY, FAMILIAL HYPERTROPHIC, 23, WITH OR WITHOUT LEFT VENTRICULAR NONCOMPACTION; Cardiomyopathy, dilated, 1AA, with or without LVNC. Identifiers: Orphanet 154, MedGen C2677338, MONDO:0012808, OMIM 612158.
Primary familial hypertrophic cardiomyopathy (HCM). Identifiers: Orphanet 99739, MedGen C0949658, MeSH D024741, MONDO:0024573. Inheritance: Various modes of inheritance.

Submission:

Labcorp Genetics (formerly Invitae), Labcorp
Classification: Uncertain significance for Primary familial hypertrophic cardiomyopathy; Dilated cardiomyopathy 1AA. Last evaluated: 2023-02-11. Review status: criteria provided, single submitter. Criteria: Invitae Variant Classification Sherloc (09022015). Collection method: clinical testing. Allele origin: germline.
Comment: In summary, the available evidence is currently insufficient to determine the role of this variant in disease. Therefore, it has been classified as a Variant of Uncertain Significance. Advanced modeling of protein sequence and biophysical properties (such as structural, functional, and spatial information, amino acid conservation, physicochemical variation, residue mobility, and thermodynamic stability) performed at Invitae indicates that this missense variant is not expected to disrupt ACTN2 protein function. This variant has not been reported in the literature in individuals affected with ACTN2-related conditions. This variant is not present in population databases (gnomAD no frequency). This sequence change replaces isoleucine, which is neutral and non-polar, with valine, which is neutral and non-polar, at codon 551 of the ACTN2 protein (p.Ile551Val).